The following is an entry in ClinVar:

NC_012920.1(MT-ATP6):m.9205T>C

Gene: MT-ATP6 (mitochondrially encoded ATP synthase 6; plus strand).
Variant type: single nucleotide variant.
Genome position: chrM-9205-T-C.
Other names: *227Q.
Identifiers: ClinVar variation 693124 (VCV000693124.1), dbSNP rs1603222171, ClinGen allele CA414802422.

ClinVar aggregate classification (germline): Uncertain significance (1 of 4 stars; one submission).

Conditions:
Leigh syndrome (NULS). Also called: Leigh's necrotizing encephalopathy; Leigh's disease; Leigh Syndrome (mtDNA deletion); Leigh Disease; Subacute necrotizing encephalopathy; Necrotizing encephalopathy infantile subacute of Leigh. Identifiers: Orphanet 506, MedGen C2931891, MONDO:0009723, OMIM 256000.

Submission:

Wong Mito Lab, Molecular and Human Genetics, Baylor College of Medicine
Classification: Uncertain significance for Leigh syndrome. Last evaluated: 2019-10-17. Review status: criteria provided, single submitter. Criteria: Modified ACMG Guidelines (Unpublished). Collection method: clinical testing. Allele origin: germline.
Comment: The NC_012920.1:m.9205T>C (YP_003024031.1:p.Ter227GlnextX11) variant in MTATP6 gene is interpretated to be a Uncertain Significance variant based on the modified ACMG guidelines (unpublished). This variant meets the following evidence codes: BS4

Literature cited by the submitters: PubMed 8630495.